The following is an entry in ClinVar:

NM_014614.3(PSME4):c.813T>C (p.Asp271=)

Gene: PSME4 (proteasome activator subunit 4; minus strand). Cytogenetic location: 2p16.2.
Variant type: single nucleotide variant.
Coding change: c.813T>C on transcript NM_014614.3 (MANE Select); coding-DNA position 813, T replaced by C.
Protein change: p.Asp271=; no amino-acid change (aspartic acid 271 retained).
Molecular consequence: synonymous variant.
Genome position (GRCh38, 1-based): chr2:53,936,108, A>G on the plus strand (T>C on the coding strand, the complement: PSME4 is on the minus strand). VCF-style: chr2-53936108-A-G. GRCh37 (hg19) VCF-style: chr2-54163245-A-G.
Identifiers: ClinVar variation 2650914 (VCV002650914.24), dbSNP rs148331400, ClinGen allele CA1658702.

ClinVar aggregate classification (germline): Likely benign (1 of 4 stars; one submission).

Allele frequency attached by ClinVar (database versions not stated): 1000 Genomes Project 0.00240; 1000 Genomes Project 30x 0.00250; ExAC 0.00447; gnomAD 0.00489; TOPMed 0.00546; ESP Exome Variant Server 0.00569; gnomAD exomes 0.00581.
gnomAD v4.1: 9,324 of 1,612,822 alleles (0.58%); highest among the groups gnomAD compares: Middle Eastern, 1.4%; 44 homozygotes.

Submission:

CeGaT Center for Human Genetics Tuebingen
Classification: Likely benign. Last evaluated: 2023-11-01. Review status: criteria provided, single submitter. Criteria: CeGaT Center For Human Genetics Tuebingen Variant Classification Criteria Version 2. Collection method: clinical testing. Allele origin: germline. Affected: yes. Observed: 2 variant alleles.
Comment: PSME4: BP4, BP7, BS2